The following is an entry in ClinVar:

ClinVar aggregate classification (germline): Likely pathogenic (1 of 4 stars; one submission).

Submission:

GeneDx
Classification: Likely pathogenic. Last evaluated: 2016-06-16. Review status: criteria provided, single submitter. Criteria: GeneDx Variant Classification (06012015). Collection method: clinical testing. Allele origin: germline. Affected: yes.
Comment: A likely pathogenic variant has been identified in the MYCN gene. The c.1358_1363delAGTTGC variant has not been published as a pathogenic variant, nor has it been reported as a benign variant to our knowledge. This variant results in an in-frame deletion of two amino acids. The variant was not observed in approximately 6,500 individuals of European and African American ancestry in the NHLBI Exome Sequencing Project, indicating it is not a common benign variant in these populations. The deleted amino acids are not conserved; however, these two amino acids are the last two residues in the leucine zipper domain. Additionally, the variant was observed to be apparently de novo. Therefore, this variant is likely pathogenic; however, the possibility that it is benign cannot be excluded.

NM_005378.6(MYCN):c.1358_1363del (p.Gln453_Leu454del)

Gene: MYCN (MYCN proto-oncogene, bHLH transcription factor; plus strand). Cytogenetic location: 2p24.3.
Variant type: Deletion.
Coding change: c.1358_1363del on transcript NM_005378.6 (MANE Select); coding-DNA positions 1358 to 1363, 6 bases deleted (AGTTGC; older notation c.1358_1363delAGTTGC).
Protein change: p.Gln453_Leu454del.
Molecular consequence: inframe deletion. On other transcripts: 3 prime UTR variant (1).
Genome position (GRCh38, 1-based): chr2:15,946,060-15,946,065, AGTTGC deleted; deleting any 6 consecutive bases within chr2:15,946,058-15,946,065 gives the same sequence; the c. name uses the placement nearest the transcript's 3' end. VCF-style (leftmost placement, unchanged base first): chr2-15946057-AGCAGTT-A. GRCh37 (hg19) VCF-style: chr2-16086179-AGCAGTT-A.
Other names: c.1358_1363del, p.Gln453_Leu454del (NM_001293228.2); c.725_730del, p.Gln242_Leu243del (NM_001293231.2); c.*1293_*1298del (NM_001293233.2).
Identifiers: ClinVar variation 420633 (VCV000420633.2), dbSNP rs1064794600, ClinGen allele CA16617253.